The following is an entry in ClinVar:

ClinVar aggregate classification (germline): Pathogenic (1 of 4 stars; one submission).

Conditions:
Nonsyndromic genetic hearing loss. Also called: Non-syndromic genetic deafness; Nonsyndromic hearing loss and deafness; Nonsyndromic genetic deafness. Identifiers: Orphanet 87884, MedGen C5680182, MONDO:0019497.

Allele frequency attached by ClinVar (database versions not stated): ExAC 0.00001; gnomAD exomes 0.00001.
gnomAD v4.1: 3 of 1,614,190 alleles (0.00019%); highest among the groups gnomAD compares: Admixed American, 0.0033%; no homozygotes.

Submission:

INGEBI, INGEBI / CONICET
Classification: Pathogenic for Nonsyndromic genetic hearing loss. Last evaluated: 2021-07-15. Review status: criteria provided, single submitter. Criteria: ClinGen HL ACMG Specifications v1. Collection method: clinical testing. Allele origin: germline. Inheritance: Autosomal recessive inheritance. Affected: yes.
Comment: Based on ACMG/AMP guidelines and Hearing Loss Expert Panel specific criteria:The c.242C>G (p.Ser81*) variant in TMPRSS3 is predicted to cause a premature stop codon in biologically-relevant-exon 4/13 that leads to a truncated or absent protein in a gene in which loss-of-function is an established mechanism, NMD is predcited to occur, (PVS1). The c.242C>G variant is only present in 2/34588 alleles in latino ethnic group in gnomAD population databases , meeting PM2. Taking all the information together: PVS1, PM2, PM3, PP1_Sup, c.242C>G is classified as Pathogenic for autosomal recessive non-syndromic hearing loss.

NM_001256317.3(TMPRSS3):c.242C>G (p.Ser81Ter)

Gene: TMPRSS3 (transmembrane serine protease 3; minus strand). Cytogenetic location: 21q22.3.
Variant type: single nucleotide variant.
Coding change: c.242C>G on transcript NM_001256317.3 (MANE Select); coding-DNA position 242, C replaced by G.
Protein change: p.Ser81Ter; replaces serine 81 with a stop codon.
Molecular consequence: nonsense. On other transcripts: 5 prime UTR variant (1).
Genome position (GRCh38, 1-based): chr21:42,389,009, G>C on the plus strand (C>G on the coding strand, the complement: TMPRSS3 is on the minus strand). VCF-style: chr21-42389009-G-C. GRCh37 (hg19) VCF-style: chr21-43809118-G-C.
Other names: c.242C>G, p.Ser81Ter (NM_024022.4, NM_032405.2); c.-140C>G (NM_032404.3); short protein forms S81*.
Identifiers: ClinVar variation 1185592 (VCV001185592.2), dbSNP rs757110501, ClinGen allele CA10042701.